The following is an entry in ClinVar:

ClinVar aggregate classification (germline): Pathogenic. Review status: criteria provided, multiple submitters, no conflicts (2 of 4 stars). 7 submissions from 6 submitters: Pathogenic (4). 3 of the submissions do not count toward it. Last evaluated 2025-12-10.

Conditions:
Maturity-onset diabetes of the young (MODY). Also called: Maturity onset diabetes mellitus in young. Identifiers: Orphanet 552, MedGen C0342276, MONDO:0018911, HP:0004904.
Neonatal diabetes mellitus (NDM). Identifiers: Orphanet 224, MedGen C0158981, MONDO:0016391.
Hyperinsulinemic hypoglycemia, familial, 1 (HHF1). Also called: HYPERINSULINISM, FAMILIAL, WITH PANCREATIC NESIDIOBLASTOSIS; HYPOGLYCEMIA, HYPERINSULINEMIC, OF INFANCY; Persistent hyperinsulinemic hypoglycemia of infancy; NESIDIOBLASTOSIS OF PANCREAS; Persistent Hyperinsulinemia Hypoglycemia of Infancy. Identifiers: Orphanet 276575, Orphanet 276598, MedGen C2931832, MONDO:0009734, OMIM 256450.
Type 2 diabetes mellitus. Also called: Type II diabetes mellitus. Identifiers: MedGen C0011860, MeSH D003924, MONDO:0005148, OMIM 125853, HP:0005978.
Hereditary hyperinsulinism.

Submissions (7):

Natera, Inc.
Classification: Pathogenic for Hereditary hyperinsulinism. Last evaluated: 2025-12-10. Review status: criteria provided, single submitter. Criteria: Natera Variant Classification Schema (03/2026). Collection method: clinical testing. Allele origin: germline.
Comment: The c.4322delC variant in ABCC8 is a frameshift variant predicted to shift the reading frame beginning at codon 1441 and leads to a stop codon 19 codons downstream. This variant is expected to result in nonsense mediated decay, truncation, or a dysfunctional protein product. This variant is rare in the general population with a frequency below the threshold expected for the associated phenotype(s). This variant has been observed in one or more individuals affected with the associated recessive disease, as either homozygous or compound heterozygous with a second variant (PMID: 28442472). Given the available evidence, this variant is classified as Pathogenic.

Baylor Genetics
Classification: Pathogenic for Type 2 diabetes mellitus. Last evaluated: 2023-09-14. Review status: criteria provided, single submitter. Criteria: ACMG Guidelines, 2015. Collection method: clinical testing. Allele origin: unknown.

Broad Center for Mendelian Genomics, Broad Institute of MIT and Harvard
Classification: Pathogenic for Hyperinsulinemic hypoglycemia, familial, 1. Last evaluated: 2023-08-16. Review status: criteria provided, single submitter. Criteria: ACMG Guidelines, 2015. Collection method: curation. Allele origin: germline. Inheritance: Autosomal recessive inheritance.
Comment: The p.Pro1441fs variant in ABCC8 has been previously reported in 3 individuals with hyperinsulinemic hypoglycemia and has been identified in 0.007% (1/13372) of African/African American chromosomes by the Genome Aggregation Database (gnomAD; dbSNP ID: rs758844607). Although this variant has been seen in the general population in a heterozygous state, its frequency is low enough to be consistent with a recessive carrier frequency. This variant has also been reported in ClinVar (Variation ID#: 551208) and has been interpreted as likely pathogenic/pathogenic by Counsyl and Invitae, and as a variant of uncertain significance by Clinical Genomics (Uppaluri K&H Personalized Medicine Clinic). Of the 3 affected individuals, 1 was a compound heterozygote that carried a reported pathogenic variant in trans, which increases the likelihood that the p.Pro1441fs variant is pathogenic (PMID: 28442472). This variant is predicted to cause a frameshift, which alters the protein’s amino acid sequence beginning at position 1441 and leads to a premature termination codon 19 amino acids downstream. This alteration is then predicted to lead to a truncated or absent protein. Loss of function of the ABCC8 gene is an established disease mechanism in autosomal recessive hyperinsulinemic hypoglycemia. In summary, this variant meets criteria to be classified as pathogenic for autosomal recessive hyperinsulinemic hypoglycemia. ACMG/AMP Criteria applied: PVS1, PM2_supporting, PM3 (Richards 2015).

Labcorp Genetics (formerly Invitae), Labcorp
Classification: Pathogenic. Last evaluated: 2023-05-02. Review status: criteria provided, single submitter. Criteria: Invitae Variant Classification Sherloc (09022015). Collection method: clinical testing. Allele origin: germline.
Comment: This premature translational stop signal has been observed in individuals with autosomal recessive diffuse or focal hyperinsulinism (PMID: 20685672, 23275527). This variant is also known as c.4325delC (p.Pro1442fs). ClinVar contains an entry for this variant (Variation ID: 551208). For these reasons, this variant has been classified as Pathogenic. This sequence change creates a premature translational stop signal (p.Pro1441Leufs*19) in the ABCC8 gene. It is expected to result in an absent or disrupted protein product. Loss-of-function variants in ABCC8 are known to be pathogenic (PMID: 20685672, 23345197). This variant is present in population databases (rs758844607, gnomAD 0.008%).

Counsyl
Classification: Likely pathogenic for Hyperinsulinemic hypoglycemia, familial, 1. Last evaluated: 2017-03-21. Review status: no assertion criteria provided. Collection method: clinical testing. Allele origin: unknown. Not counted in ClinVar's aggregate classification.

Clinical Genomics, Uppaluri K&H Personalized Medicine Clinic
Classification: Uncertain risk allele for Maturity-onset diabetes of the young. Last evaluated: 2024-05-27. Review status: flagged submission. Criteria: K And H Uppaluri Personalized Medicine Clinic Variant Classification And Assertion Criteria Updated V 2. Collection method: research. Allele origin: unknown. Not counted in ClinVar's aggregate classification.
Comment: This variant is found to be a potent moderate impact variant with a sufficient scientific evidence to support gene-disease correlation. However, since this is not a high impact variant and has no variant evidence, this variant is reclassified as Uncertain Risk Allele
ClinVar note: Reason: Outlier claim with insufficient supporting evidence

Clinical Genomics, Uppaluri K&H Personalized Medicine Clinic
Classification: Uncertain risk allele for Neonatal diabetes mellitus. Last evaluated: 2024-05-27. Review status: flagged submission. Criteria: K And H Uppaluri Personalized Medicine Clinic Variant Classification And Assertion Criteria Updated V 2. Collection method: research. Allele origin: unknown. Not counted in ClinVar's aggregate classification.
Comment: This variant is found to be a potent moderate impact, variant with a sufficient scientific evidence of gene-disease correlation. However, since this is not a high impact variant and no variant evidence, this variant is reclassified as Uncertain risk allele.
ClinVar note: Reason: Outlier claim with insufficient supporting evidence

Literature cited by the submitters: PubMed 28442472 (cited by Natera, Inc.); PubMed 20685672 (cited by Labcorp Genetics (formerly Invitae), Labcorp and Counsyl); PubMed 23275527 (cited by Labcorp Genetics (formerly Invitae), Labcorp and Counsyl); PubMed 23345197 (cited by Labcorp Genetics (formerly Invitae), Labcorp); PubMed 31216263 (cited by Clinical Genomics, Uppaluri K&H Personalized Medicine Clinic); PubMed 38095268 (cited by Clinical Genomics, Uppaluri K&H Personalized Medicine Clinic); PubMed 38513803 (cited by Clinical Genomics, Uppaluri K&H Personalized Medicine Clinic); PubMed 32376986 (cited by Clinical Genomics, Uppaluri K&H Personalized Medicine Clinic); PubMed 20922570 (cited by Clinical Genomics, Uppaluri K&H Personalized Medicine Clinic); PubMed 17389331 (cited by Clinical Genomics, Uppaluri K&H Personalized Medicine Clinic); PubMed 17919176 (cited by Clinical Genomics, Uppaluri K&H Personalized Medicine Clinic); PubMed 21738553 (cited by Clinical Genomics, Uppaluri K&H Personalized Medicine Clinic); PubMed 33013711 (cited by Clinical Genomics, Uppaluri K&H Personalized Medicine Clinic).

NM_000352.6(ABCC8):c.4322del (p.Pro1441fs)

Gene: ABCC8 (ATP binding cassette subfamily C member 8; minus strand). Cytogenetic location: 11p15.1.
Variant type: Deletion.
Coding change: c.4322del on transcript NM_000352.6 (MANE Select); coding-DNA position 4322, one base deleted (C; older notation c.4322delC).
Protein change: p.Pro1441fs; shifts the reading frame from proline 1441.
Molecular consequence: frameshift variant. On other transcripts: non-coding transcript variant (1).
Genome position (GRCh38, 1-based): chr11:17,395,261, G deleted on the plus strand (C on the coding strand, the reverse complement: ABCC8 is on the minus strand); the first of 3 consecutive G bases (chr11:17,395,261-17,395,263); deleting any one gives the same sequence. VCF-style (leftmost placement, unchanged base first): chr11-17395260-AG-A. GRCh37 (hg19) VCF-style: chr11-17416807-AG-A.
Other names: NM_000352.6(ABCC8):c.4322del; p.Pro1441fs; c.4325del, p.Pro1442fs (NM_001287174.3); c.4388del, p.Pro1463fs (NM_001351295.2); c.4322del, p.Pro1441fs (NM_001351296.2); c.4319del, p.Pro1440fs (NM_001351297.2); c.4322delC (NM_000352.4); short protein forms P1440fs, P1442fs, P1441fs, P1463fs.
Identifiers: ClinVar variation 551208 (VCV000551208.14), dbSNP rs758844607, ClinGen allele CA5902493.